The following is an entry in ClinVar:

NM_000288.4(PEX7):c.225G>C (p.Trp75Cys)

Gene: PEX7 (peroxisomal biogenesis factor 7; plus strand). Cytogenetic location: 6q23.3.
Variant type: single nucleotide variant.
Coding change: c.225G>C on transcript NM_000288.4 (MANE Select); coding-DNA position 225, G replaced by C.
Protein change: p.Trp75Cys; replaces tryptophan 75 with cysteine.
Molecular consequence: missense variant.
Genome position (GRCh38, 1-based): chr6:136,826,355, G>C. VCF-style: chr6-136826355-G-C. GRCh37 (hg19) VCF-style: chr6-137147493-G-C.
Other names: short protein forms W75C.
Identifiers: ClinVar variation 550311 (VCV000550311.4), dbSNP rs1554328961, ClinGen allele CA365855793.
Genomic context (GRCh38, chr6:136,826,355, plus strand): 5'-GTTGTTTGTTTTTTCCTAGTGTAGCTTTGACTGGAATGATGGTTTGTTTGATGTGACTTG[G>C]AGTGAGAACAACGAACATGTCCTCATCACCTGTAGTGGCGATGGCTCGCTGCAGCTCTGG-3'
Protein context (NP_000279.1, residues 65-85): DWNDGLFDVT[Trp75Cys]SENNEHVLIT

ClinVar aggregate classification (germline): Conflicting classifications of pathogenicity. Review status: criteria provided, conflicting classifications (1 of 4 stars). 3 submissions from 3 submitters: Likely pathogenic (1); Uncertain significance (1). 1 of the submissions does not count toward it. Last evaluated 2025-04-29.

Conditions:
Bilateral congenital or childhood onset cataracts.
Rhizomelic chondrodysplasia punctata type 1 (RCDP1). Also called: PEX7-Related Rhizomelic Chondrodysplasia Punctata; CHONDRODYSTROPHIA CALCIFICANS PUNCTATA; PEROXISOME BIOGENESIS DISORDER 9. Identifiers: Orphanet 177, Orphanet 309789, MedGen C1859133, MONDO:0008972, OMIM 215100. Disease mechanism: loss of function.

Allele frequency attached by ClinVar (database versions not stated): gnomAD exomes below 0.00001.
gnomAD v4.1: 1 of 1,613,930 alleles (0.000062%); highest among the groups gnomAD compares: South Asian, 0.0011%; no homozygotes.

Submissions (3):

North West Genomic Laboratory Hub, Manchester University NHS Foundation Trust
Classification: Likely pathogenic for Bilateral congenital or childhood onset cataracts. Last evaluated: 2025-04-29. Review status: criteria provided, single submitter. Criteria: ACGS Best Practice Guidelines for Variant Classification in Rare Disease 2024. Collection method: clinical testing. Allele origin: germline. Affected: yes.
Comment: PS3_Supp PP1_Mod PM2_Mod PP3_Supp PM3_Mod

Women's Health and Genetics/Laboratory Corporation of America, LabCorp
Classification: Uncertain significance. Last evaluated: 2025-04-03. Review status: criteria provided, single submitter. Criteria: LabCorp Variant Classification Summary - May 2015. Collection method: clinical testing. Allele origin: germline.
Comment: Variant summary: PEX7 c.225G>C (p.Trp75Cys) results in a non-conservative amino acid change in the encoded protein sequence. Five of five in-silico tools predict a damaging effect of the variant on protein function. The variant allele was found at a frequency of 4e-06 in 251478 control chromosomes (gnomAD). The available data on variant occurrences in the general population are insufficient to allow any conclusion about variant significance. c.225G>C has been reported in the literature in individuals affected with intellectual disability without chondrodysplasia (Yu_2013, Masih_2021). These reports do not provide unequivocal conclusions about association of the variant with Rhizomelic Chondrodysplasia Punctata Type 1. At least one publication reports experimental evidence evaluating an impact on protein function and this variant affected the PEX7 protein function (Yu_2013). The following publications have been ascertained in the context of this evaluation (PMID: 33586206, 32820185, 23352163). ClinVar contains an entry for this variant (Variation ID: 550311). Based on the evidence outlined above, the variant was classified as uncertain significance.

Counsyl
Classification: Uncertain significance for Rhizomelic chondrodysplasia punctata type 1. Last evaluated: 2017-01-05. Review status: no assertion criteria provided. Collection method: clinical testing. Allele origin: unknown. Not counted in ClinVar's aggregate classification.

Literature cited by the submitters: PubMed 23352163 (cited by Women's Health and Genetics/Laboratory Corporation of America, LabCorp and Counsyl); PubMed 33586206 (cited by Women's Health and Genetics/Laboratory Corporation of America, LabCorp); PubMed 32820185 (cited by Women's Health and Genetics/Laboratory Corporation of America, LabCorp).